The following is an entry in ClinVar:

ClinVar aggregate classification (germline): Likely benign (1 of 4 stars; one submission).

Allele frequency attached by ClinVar (database versions not stated): 1000 Genomes Project 30x 0.00021; 1000 Genomes Project 0.00026; gnomAD exomes 0.00060.
gnomAD v4.1: 157 of 299,551 alleles (0.052%); highest among the groups gnomAD compares: Non-Finnish European, 0.082%; no homozygotes.

Submission:

CeGaT Center for Human Genetics Tuebingen
Classification: Likely benign. Last evaluated: 2026-09-01. Review status: criteria provided, single submitter. Criteria: CeGaT Center For Human Genetics Tuebingen Variant Classification Criteria Version 2. Collection method: clinical testing. Allele origin: germline. Affected: yes. Observed: 9 variant alleles.
Comment: TAF1: BS2

NM_004606.5(TAF1):c.*424C>T

Gene: TAF1 (TATA-box binding protein associated factor 1; plus strand). Cytogenetic location: Xq13.1.
Variant type: single nucleotide variant.
Coding change: c.*424C>T on transcript NM_004606.5 (MANE Select); 424 bases downstream of the stop codon, C replaced by T.
Molecular consequence: 3 prime UTR variant.
Genome position (GRCh38, 1-based): chrX:71,464,470, C>T. VCF-style: chrX-71464470-C-T. GRCh37 (hg19) VCF-style: chrX-70684320-C-T.
Other names: c.*424C>T (NM_001286074.2, NM_138923.4).
Identifiers: ClinVar variation 2660883 (VCV002660883.24), dbSNP rs763417621, ClinGen allele CA331026253.